The following is an entry in ClinVar:

NM_032737.4(LMNB2):c.133C>T (p.Gln45Ter)

Gene: LMNB2 (lamin B2; minus strand). Cytogenetic location: 19p13.3.
Variant type: single nucleotide variant.
Coding change: c.133C>T on transcript NM_032737.4 (MANE Select); coding-DNA position 133, C replaced by T.
Protein change: p.Gln45Ter; replaces glutamine 45 with a stop codon.
Molecular consequence: nonsense.
Genome position (GRCh38, 1-based): chr19:2,456,801, G>A on the plus strand (C>T on the coding strand, the complement: LMNB2 is on the minus strand). VCF-style: chr19-2456801-G-A. GRCh37 (hg19) VCF-style: chr19-2456799-G-A.
Other names: short protein forms Q45*.
Identifiers: ClinVar variation 3748397 (VCV003748397.2).

ClinVar aggregate classification (germline): Uncertain significance (1 of 4 stars; one submission).

Conditions:
Lipodystrophy, partial, acquired, susceptibility to (APLD). Also called: APLD, SUSCEPTIBILITY TO. Identifiers: MedGen C3887501, MONDO:0100476, OMIM 608709.
Progressive myoclonic epilepsy type 9. Identifiers: Orphanet 457265, MedGen C4225289, MONDO:0014685, OMIM 616540.

Submission:

Labcorp Genetics (formerly Invitae), Labcorp
Classification: Uncertain significance for Progressive myoclonic epilepsy type 9; Lipodystrophy, partial, acquired, susceptibility to. Last evaluated: 2025-01-19. Review status: criteria provided, single submitter. Criteria: Invitae Variant Classification Sherloc (09022015). Collection method: clinical testing. Allele origin: germline.
Comment: This sequence change creates a premature translational stop signal (p.Gln45*) in the LMNB2 gene. It is expected to result in an absent or disrupted protein product. However, the current clinical and genetic evidence is not sufficient to establish whether loss-of-function variants in LMNB2 cause disease. This variant is not present in population databases (gnomAD no frequency). This variant has not been reported in the literature in individuals affected with LMNB2-related conditions. In summary, the available evidence is currently insufficient to determine the role of this variant in disease. Therefore, it has been classified as a Variant of Uncertain Significance.